The following is an entry in ClinVar:

ClinVar aggregate classification (germline): Uncertain significance (1 of 4 stars; one submission).

Conditions:
Inborn genetic diseases. Identifiers: MedGen C0950123, MeSH D030342.

gnomAD v4.1: 1 of 1,209,015 alleles (0.000083%); highest among the groups gnomAD compares: Non-Finnish European, 0.00011%; no homozygotes.

Submission:

Ambry Genetics
Classification: Uncertain significance for Inborn genetic diseases. Last evaluated: 2017-09-27. Review status: criteria provided, single submitter. Criteria: Ambry Variant Classification Scheme 2023. Collection method: clinical testing. Allele origin: germline.
Comment: The c.4557+5C>G intronic variant results from a C to G substitution 5 nucleotides after coding exon 15 in the ATRX gene. This nucleotide position is poorly conserved in available vertebrate species. In silico splice site analysis predicts that this alteration will not have any significant effect on splicing. Since supporting evidence is limited at this time, the clinical significance of this alteration remains unclear.

NM_000489.6(ATRX):c.4557+5C>G

Gene: ATRX (ATRX chromatin remodeler; minus strand). Cytogenetic location: Xq21.1.
Variant type: single nucleotide variant.
Coding change: c.4557+5C>G on transcript NM_000489.6 (MANE Select); 5 bases into the intron after coding-DNA position 4557, C replaced by G.
Molecular consequence: intron variant.
Genome position (GRCh38, 1-based): chrX:77,652,109, G>C on the plus strand (C>G on the coding strand, the complement: ATRX is on the minus strand). VCF-style: chrX-77652109-G-C. GRCh37 (hg19) VCF-style: chrX-76907599-G-C.
Other names: c.4443+5C>G (NM_138270.5).
Identifiers: ClinVar variation 1741458 (VCV001741458.2), dbSNP rs2148435077, ClinGen allele CA2580101394.